The following is an entry in ClinVar:

NM_002485.5(NBN):c.466A>C (p.Lys156Gln)

Gene: NBN (nibrin; minus strand). Cytogenetic location: 8q21.3.
Variant type: single nucleotide variant.
Coding change: c.466A>C on transcript NM_002485.5 (MANE Select); coding-DNA position 466, A replaced by C.
Protein change: p.Lys156Gln; replaces lysine 156 with glutamine.
Molecular consequence: missense variant.
Genome position (GRCh38, 1-based): chr8:89,980,748, T>G on the plus strand (A>C on the coding strand, the complement: NBN is on the minus strand). VCF-style: chr8-89980748-T-G. GRCh37 (hg19) VCF-style: chr8-90992976-T-G.
Other names: c.220A>C, p.Lys74Gln (NM_001024688.3); short protein forms K156Q, K74Q.
Identifiers: ClinVar variation 825084 (VCV000825084.4), dbSNP rs1586106635, ClinGen allele CA371661531.
Genomic context (GRCh38, chr8:89,980,748, plus strand): 5'-ATTCAAATAACTTATTTTTAACATAAGAACAAGACATTCAACCTACTTTAATGGTAACTT[T>G]CACTGATACCATGACAAGGTGAGTGCATTCTTCTGTCCAATTGTTTACAGTAAATCCTCC-3'
Protein context (NP_002476.2, residues 146-166): ECTHLVMVSV[Lys156Gln]VTIKTICALI

ClinVar aggregate classification (germline): Uncertain significance (1 of 4 stars; one submission).

Conditions:
Hereditary cancer-predisposing syndrome. Also called: Neoplastic Syndromes, Hereditary; Tumor predisposition; Hereditary neoplastic syndrome; Hereditary Cancer Syndrome. Identifiers: Orphanet 140162, MedGen C0027672, MeSH D009386, MONDO:0015356.

Submission:

Ambry Genetics
Classification: Uncertain significance for Hereditary cancer-predisposing syndrome. Last evaluated: 2022-05-04. Review status: criteria provided, single submitter. Criteria: Ambry Variant Classification Scheme 2023. Collection method: clinical testing. Allele origin: germline.
Comment: The p.K156Q variant (also known as c.466A>C), located in coding exon 4 of the NBN gene, results from an A to C substitution at nucleotide position 466. The lysine at codon 156 is replaced by glutamine, an amino acid with similar properties. This amino acid position is highly conserved in available vertebrate species. In addition, the in silico prediction for this alteration is inconclusive. Since supporting evidence is limited at this time, the clinical significance of this alteration remains unclear.